The following is an entry in ClinVar:

NM_001113378.2(FANCI):c.2636+3A>G

Gene: FANCI (FA complementation group I; plus strand). Cytogenetic location: 15q26.1.
Variant type: single nucleotide variant.
Coding change: c.2636+3A>G on transcript NM_001113378.2 (MANE Select); 3 bases into the intron after coding-DNA position 2636, A replaced by G.
Molecular consequence: intron variant.
Genome position (GRCh38, 1-based): chr15:89,295,097, A>G. VCF-style: chr15-89295097-A-G. GRCh37 (hg19) VCF-style: chr15-89838328-A-G.
Other names: c.2456+1100A>G (NM_018193.3); c.2636+3A>G (NM_001376911.1); c.2357+3A>G (NM_001376910.1).
Identifiers: ClinVar variation 941904 (VCV000941904.5), dbSNP rs2054202681, ClinGen allele CA972571491.

ClinVar aggregate classification (germline): Uncertain significance (1 of 4 stars; one submission).

Conditions:
Fanconi anemia (FA). Also called: Fanconi's anemia. Identifiers: Orphanet 84, MedGen C0015625, MeSH D005199, MONDO:0019391.

Allele frequency attached by ClinVar (database versions not stated): gnomAD exomes below 0.00001; TOPMed below 0.00001; gnomAD 0.00001.
gnomAD v4.1: 3 of 1,551,238 alleles (0.00019%); highest among the groups gnomAD compares: Non-Finnish European, 0.00026%; no homozygotes.

Submission:

Labcorp Genetics (formerly Invitae), Labcorp
Classification: Uncertain significance for Fanconi anemia. Last evaluated: 2019-10-09. Review status: criteria provided, single submitter. Criteria: Invitae Variant Classification Sherloc (09022015). Collection method: clinical testing. Allele origin: germline.
Comment: This sequence change falls in intron 24 of the FANCI gene. It does not directly change the encoded amino acid sequence of the FANCI protein, but it affects a nucleotide within the consensus splice site of the intron. This variant is not present in population databases (ExAC no frequency). This variant has not been reported in the literature in individuals with FANCI-related conditions. Nucleotide substitutions within the consensus splice site are a relatively common cause of aberrant splicing (PMID: 17576681, 9536098). Algorithms developed to predict the effect of sequence changes on RNA splicing suggest that this variant is not likely to affect RNA splicing, but this prediction has not been confirmed by published transcriptional studies. In summary, the available evidence is currently insufficient to determine the role of this variant in disease. Therefore, it has been classified as a Variant of Uncertain Significance.

Literature cited by the submitters: PubMed 17576681; PubMed 9536098.